The following is an entry in ClinVar:

ClinVar aggregate classification (germline): Uncertain significance. Review status: criteria provided, multiple submitters, no conflicts (2 of 4 stars). 2 submissions from 2 submitters: Uncertain significance (2). Last evaluated 2024-11-11.

Conditions:
Congenital anomaly of kidney and urinary tract. Also called: Congenital anomalies of kidney and urinary tract; Congenital anomalies of the kidney and urinary tract. Identifiers: Orphanet 93545, MedGen C1968949, MeSH C566906, MONDO:0019719.

Allele frequency attached by ClinVar (database versions not stated): ESP Exome Variant Server 0.00015; 1000 Genomes Project 30x 0.00016; 1000 Genomes Project 0.00020; ExAC 0.00027; gnomAD exomes 0.00029 and 0.00043; TOPMed 0.00033; gnomAD 0.00034.
gnomAD v4.1: 673 of 1,604,126 alleles (0.042%); highest among the groups gnomAD compares: Non-Finnish European, 0.051%; no homozygotes.

Submissions (2):

Labcorp Genetics (formerly Invitae), Labcorp
Classification: Uncertain significance. Last evaluated: 2024-11-11. Review status: criteria provided, single submitter. Criteria: Invitae Variant Classification Sherloc (09022015). Collection method: clinical testing. Allele origin: germline.
Comment: This sequence change replaces threonine, which is neutral and polar, with methionine, which is neutral and non-polar, at codon 251 of the BMP7 protein (p.Thr251Met). This variant is present in population databases (rs112344257, gnomAD 0.04%). This missense change has been observed in individual(s) with BMP7-related conditions (PMID: 27657687). ClinVar contains an entry for this variant (Variation ID: 224335). An algorithm developed to predict the effect of missense changes on protein structure and function (PolyPhen-2) suggests that this variant is likely to be disruptive. In summary, the available evidence is currently insufficient to determine the role of this variant in disease. Therefore, it has been classified as a Variant of Uncertain Significance.

Lupski Lab, Baylor-Hopkins CMG, Baylor College of Medicine
Classification: Uncertain significance for Congenital anomaly of kidney and urinary tract. Review status: criteria provided, single submitter. Criteria: Bekheirnia et al. (Genet Med. 2016). Collection method: research. Allele origin: paternal. Inheritance: Autosomal dominant inheritance. Affected: yes. Observed: 1 heterozygote.

Literature cited by the submitters: PubMed 27657687 (cited by Labcorp Genetics (formerly Invitae), Labcorp).

NM_001719.3(BMP7):c.752C>T (p.Thr251Met)

Gene: BMP7 (bone morphogenetic protein 7; minus strand). Cytogenetic location: 20q13.31.
Variant type: single nucleotide variant.
Coding change: c.752C>T on transcript NM_001719.3 (MANE Select); coding-DNA position 752, C replaced by T.
Protein change: p.Thr251Met; replaces threonine 251 with methionine.
Molecular consequence: missense variant.
Genome position (GRCh38, 1-based): chr20:57,202,483, G>A on the plus strand (C>T on the coding strand, the complement: BMP7 is on the minus strand). VCF-style: chr20-57202483-G-A. GRCh37 (hg19) VCF-style: chr20-55777539-G-A.
Other names: short protein forms T251M.
Identifiers: ClinVar variation 224335 (VCV000224335.3), dbSNP rs112344257, ClinGen allele CA9919716.